The following is an entry in ClinVar:

ClinVar aggregate classification (germline): Uncertain significance. Review status: criteria provided, multiple submitters, no conflicts (2 of 4 stars). 2 submissions from 2 submitters: Uncertain significance (2). Last evaluated 2025-01-08.

Conditions:
Baller-Gerold syndrome (BGS). Also called: CRANIOSYNOSTOSIS WITH RADIAL DEFECTS. Identifiers: Orphanet 1225, MedGen C0265308, MONDO:0009039, OMIM 218600.
Inborn genetic diseases. Identifiers: MedGen C0950123, MeSH D030342.

gnomAD v4.1: 3 of 1,609,864 alleles (0.00019%); highest among the groups gnomAD compares: Non-Finnish European, 0.00025%; no homozygotes.

Submissions (2):

Ambry Genetics
Classification: Uncertain significance for Inborn genetic diseases. Last evaluated: 2025-01-08. Review status: criteria provided, single submitter. Criteria: Ambry Variant Classification Scheme 2023. Collection method: clinical testing. Allele origin: germline.
Comment: The p.A727T variant (also known as c.2179G>A), located in coding exon 13 of the RECQL4 gene, results from a G to A substitution at nucleotide position 2179. The alanine at codon 727 is replaced by threonine, an amino acid with similar properties. This amino acid position is conserved. In addition, this alteration is predicted to be tolerated by in silico analysis. Based on the available evidence, the clinical significance of this variant remains unclear.

Labcorp Genetics (formerly Invitae), Labcorp
Classification: Uncertain significance for Baller-Gerold syndrome. Last evaluated: 2020-12-24. Review status: criteria provided, single submitter. Criteria: Invitae Variant Classification Sherloc (09022015). Collection method: clinical testing. Allele origin: germline.
Comment: This variant has not been reported in the literature in individuals with RECQL4-related conditions. In summary, the available evidence is currently insufficient to determine the role of this variant in disease. Therefore, it has been classified as a Variant of Uncertain Significance. Experimental studies and prediction algorithms are not available or were not evaluated, and the functional significance of this variant is currently unknown. The frequency data for this variant in the population databases is considered unreliable, as metrics indicate poor data quality at this position in the ExAC database. This sequence change replaces alanine with threonine at codon 727 of the RECQL4 protein (p.Ala727Thr). The alanine residue is weakly conserved and there is a small physicochemical difference between alanine and threonine.

NM_004260.4(RECQL4):c.2179G>A (p.Ala727Thr)

Gene: RECQL4 (RecQ like helicase 4; minus strand). Cytogenetic location: 8q24.3.
Variant type: single nucleotide variant.
Coding change: c.2179G>A on transcript NM_004260.4 (MANE Select); coding-DNA position 2179, G replaced by A.
Protein change: p.Ala727Thr; replaces alanine 727 with threonine.
Molecular consequence: missense variant.
Genome position (GRCh38, 1-based): chr8:144,513,592, C>T on the plus strand (G>A on the coding strand, the complement: RECQL4 is on the minus strand). VCF-style: chr8-144513592-C-T. GRCh37 (hg19) VCF-style: chr8-145738976-C-T.
Other names: c.2179G>A (NM_004260.3); short protein forms A727T.
Identifiers: ClinVar variation 1477307 (VCV001477307.7), dbSNP rs773424301, ClinGen allele CA4948429.